The following is an entry in ClinVar:

ClinVar aggregate classification (germline): Uncertain significance (1 of 4 stars; one submission).

Submission:

Dasa
Classification: Uncertain significance. Last evaluated: 2026-01-05. Review status: criteria provided, single submitter. Criteria: DASA Assertion Criteria. Collection method: clinical testing. Allele origin: germline.
Comment: NM_001347886.2(DNAH3):c.8102C>A (p.Ala2701Asp) is a missense variant that results in the substitution of alanine with aspartic acid. This variant is rare in population databases. The currently available literature and clinical evidence are not sufficient to establish a definitive association between this variant and the reported condition. Therefore, this variant is classified as a variant of uncertain significance.

NM_001347886.2(DNAH3):c.8102C>A (p.Ala2701Asp)

Gene: DNAH3 (dynein axonemal heavy chain 3; minus strand). Cytogenetic location: 16p12.3.
Variant type: single nucleotide variant.
Coding change: c.8102C>A on transcript NM_001347886.2 (MANE Select); coding-DNA position 8102, C replaced by A.
Protein change: p.Ala2701Asp; replaces alanine 2701 with aspartic acid.
Molecular consequence: missense variant.
Genome position (GRCh38, 1-based): chr16:20,975,252, G>T on the plus strand (C>A on the coding strand, the complement: DNAH3 is on the minus strand). VCF-style: chr16-20975252-G-T. GRCh37 (hg19) VCF-style: chr16-20986574-G-T.
Other names: c.8240C>A, p.Ala2747Asp (NM_017539.2); short protein forms A2701D, A2747D.
Identifiers: ClinVar variation 4856895 (VCV004856895.2).
Genomic context (GRCh38, chr16:20,975,252, plus strand): 5'-CGGCAGCACCAGTTCCCTCCCTTTCTTCTCAGTCTTTCTACCTTGATTCCTTGGGCAATG[G>T]CAGCAGCAACATTGGCTTCTTTTTCATCTGCCTGCACCAGAAGTTTCTTTCCATCAGCTT-3'
Protein context (NP_001334815.1, residues 2691-2711): ADEKEANVAA[Ala2701Asp]IAQGIKNECE